The following is an entry in ClinVar:

NM_000059.4(BRCA2):c.4193del (p.Ala1398fs)

Gene: BRCA2 (BRCA2 DNA repair associated; plus strand). Cytogenetic location: 13q13.1.
Variant type: Deletion.
Coding change: c.4193del on transcript NM_000059.4 (MANE Select); coding-DNA position 4193, one base deleted (C; older notation c.4193delC).
Protein change: p.Ala1398fs; shifts the reading frame from alanine 1398.
Molecular consequence: frameshift variant. On other transcripts: non-coding transcript variant (1), intron variant (2).
Genome position (GRCh38, 1-based): chr13:32,338,548, C deleted. VCF-style (leftmost placement, unchanged base first): chr13-32338547-GC-G. GRCh37 (hg19) VCF-style: chr13-32912684-GC-G.
Other names: c.4193del, p.Ala1398fs (NM_001406719.1, NM_001406720.1, NM_001432077.1); c.1909+5161del (NM_001406721.1); c.425-6010del (NM_001406722.1); short protein forms A1398fs.
Identifiers: ClinVar variation 3722597 (VCV003722597.2).

ClinVar aggregate classification (germline): Pathogenic (1 of 4 stars; one submission).

Conditions:
Hereditary breast ovarian cancer syndrome. Also called: Breast and ovarian cancer; BRCA1- and BRCA2-Associated Hereditary Breast and Ovarian Cancer; Hereditary breast and/or ovarian cancer syndrome; Hereditary breast and ovarian cancer; Hereditary breast and ovarian cancer syndrome (HBOC); Hereditary breast and ovarian cancer syndrome. Identifiers: Orphanet 145, MedGen C0677776, MeSH D061325, MONDO:0003582. Disease mechanism: loss of function.

Submission:

Labcorp Genetics (formerly Invitae), Labcorp
Classification: Pathogenic for Hereditary breast ovarian cancer syndrome. Last evaluated: 2024-10-10. Review status: criteria provided, single submitter. Criteria: Invitae Variant Classification Sherloc (09022015). Collection method: clinical testing. Allele origin: germline.
Comment: This sequence change creates a premature translational stop signal (p.Ala1398Aspfs*12) in the BRCA2 gene. It is expected to result in an absent or disrupted protein product. Loss-of-function variants in BRCA2 are known to be pathogenic (PMID: 20104584). This variant is not present in population databases (gnomAD no frequency). This variant has not been reported in the literature in individuals affected with BRCA2-related conditions. For these reasons, this variant has been classified as Pathogenic.

Literature cited by the submitters: PubMed 20104584.